The following is an entry in ClinVar:

Conditions:
Long QT syndrome 5 (LQT5). Identifiers: Orphanet 101016, Orphanet 768, MedGen C1867904, MONDO:0013372, OMIM 613695.

Submission:

Roden Lab, Vanderbilt University Medical Center
No classification provided (evidence only). Condition: Long QT syndrome 5. Review status: no classification provided. Collection method: in vitro. Allele origin: not applicable. Functional consequence: Effect on ion channel function.
ClinVar note: "not provided" was previously submitted as the classification for the variant. However, the classification appeared to be based only on an observation of functional data so it was converted to no classification on 2025-07-30.

NM_000219.6(KCNE1):c.324C>G (p.Val108=)

Gene: KCNE1 (potassium voltage-gated channel subfamily E regulatory subunit 1; minus strand). Cytogenetic location: 21q22.12.
Variant type: single nucleotide variant.
Coding change: c.324C>G on transcript NM_000219.6 (MANE Select); coding-DNA position 324, C replaced by G.
Protein change: p.Val108=; no amino-acid change (valine 108 retained).
Molecular consequence: synonymous variant.
Genome position (GRCh38, 1-based): chr21:34,449,311, G>C on the plus strand (C>G on the coding strand, the complement: KCNE1 is on the minus strand). VCF-style: chr21-34449311-G-C. GRCh37 (hg19) VCF-style: chr21-35821609-G-C.
Other names: c.324C>G, p.Val108= (NM_001127668.4, NM_001127669.4, NM_001127670.4 and 4 more transcripts).
Identifiers: ClinVar variation 3374642 (VCV003374642.2).